The following is an entry in ClinVar:

ClinVar aggregate classification (germline): Uncertain significance (1 of 4 stars; one submission).

Conditions:
Emery-Dreifuss muscular dystrophy 4, autosomal dominant (EDMD4). Also called: EMERY-DREIFUSS MUSCULAR DYSTROPHY 4 WITH VARIABLE FEATURES. Identifiers: Orphanet 261, MedGen C2751807, MONDO:0013071, OMIM 612998.
Autosomal recessive ataxia, Beauce type. Also called: SYNE1-Related Autosomal Recessive Cerebellar Ataxia; SYNE1 Deficiency; Spinocerebellar ataxia, autosomal recessive 8; ATAXIA, RECESSIVE, OF BEAUCE. Identifiers: Orphanet 88644, MedGen C1853116, MONDO:0012549, OMIM 610743.

Submission:

Labcorp Genetics (formerly Invitae), Labcorp
Classification: Uncertain significance for Emery-Dreifuss muscular dystrophy 4, autosomal dominant; Autosomal recessive ataxia, Beauce type. Last evaluated: 2022-09-27. Review status: criteria provided, single submitter. Criteria: Invitae Variant Classification Sherloc (09022015). Collection method: clinical testing. Allele origin: germline.
Comment: This variant is not present in population databases (gnomAD no frequency). This sequence change replaces leucine, which is neutral and non-polar, with histidine, which is basic and polar, at codon 3137 of the SYNE1 protein (p.Leu3137His). In summary, the available evidence is currently insufficient to determine the role of this variant in disease. Therefore, it has been classified as a Variant of Uncertain Significance. Algorithms developed to predict the effect of missense changes on protein structure and function (SIFT, PolyPhen-2, Align-GVGD) all suggest that this variant is likely to be disruptive. This variant has not been reported in the literature in individuals affected with SYNE1-related conditions.

NM_182961.4(SYNE1):c.9389T>A (p.Leu3130His)

Gene: SYNE1 (spectrin repeat containing nuclear envelope protein 1; minus strand). Cytogenetic location: 6q25.2.
Variant type: single nucleotide variant.
Coding change: c.9389T>A on transcript NM_182961.4 (MANE Select); coding-DNA position 9389, T replaced by A.
Protein change: p.Leu3130His; replaces leucine 3130 with histidine.
Molecular consequence: missense variant.
Genome position (GRCh38, 1-based): chr6:152,373,155, A>T on the plus strand (T>A on the coding strand, the complement: SYNE1 is on the minus strand). VCF-style: chr6-152373155-A-T. GRCh37 (hg19) VCF-style: chr6-152694290-A-T.
Other names: c.9410T>A, p.Leu3137His (NM_033071.5); short protein forms L3130H, L3137H.
Identifiers: ClinVar variation 1923070 (VCV001923070.5), dbSNP rs2097217336, ClinGen allele CA366140077.